The following is an entry in ClinVar:

NM_005732.4(RAD50):c.1429C>G (p.Leu477Val)

Gene: RAD50 (RAD50 double strand break repair protein; plus strand). Cytogenetic location: 5q31.1.
Variant type: single nucleotide variant.
Coding change: c.1429C>G on transcript NM_005732.4 (MANE Select); coding-DNA position 1429, C replaced by G.
Protein change: p.Leu477Val; replaces leucine 477 with valine.
Molecular consequence: missense variant.
Genome position (GRCh38, 1-based): chr5:132,589,814, C>G. VCF-style: chr5-132589814-C-G. GRCh37 (hg19) VCF-style: chr5-131925506-C-G.
Other names: short protein forms L477V.
Identifiers: ClinVar variation 2586239 (VCV002586239.2), dbSNP rs1211437074, ClinGen allele CA360944865.

ClinVar aggregate classification (germline): Uncertain significance (1 of 4 stars; one submission).

Conditions:
Hereditary cancer-predisposing syndrome. Also called: Hereditary neoplastic syndrome; Tumor predisposition; Hereditary Cancer Syndrome; Neoplastic Syndromes, Hereditary. Identifiers: Orphanet 140162, MedGen C0027672, MeSH D009386, MONDO:0015356.

Submission:

Ambry Genetics
Classification: Uncertain significance for Hereditary cancer-predisposing syndrome. Last evaluated: 2023-06-28. Review status: criteria provided, single submitter. Criteria: Ambry Variant Classification Scheme 2023. Collection method: clinical testing. Allele origin: germline.
Comment: The p.L477V variant (also known as c.1429C>G), located in coding exon 9 of the RAD50 gene, results from a C to G substitution at nucleotide position 1429. The leucine at codon 477 is replaced by valine, an amino acid with highly similar properties. This amino acid position is conserved. In addition, this alteration is predicted to be tolerated by in silico analysis. Since supporting evidence is limited at this time, the clinical significance of this alteration remains unclear.